The following is an entry in ClinVar:

NM_033026.6(PCLO):c.4499T>C (p.Val1500Ala)

Gene: PCLO (piccolo presynaptic cytomatrix protein; minus strand). Cytogenetic location: 7q21.11.
Variant type: single nucleotide variant.
Coding change: c.4499T>C on transcript NM_033026.6 (MANE Select); coding-DNA position 4499, T replaced by C.
Protein change: p.Val1500Ala; replaces valine 1500 with alanine.
Molecular consequence: missense variant.
Genome position (GRCh38, 1-based): chr7:82,956,454, A>G on the plus strand (T>C on the coding strand, the complement: PCLO is on the minus strand). VCF-style: chr7-82956454-A-G. GRCh37 (hg19) VCF-style: chr7-82585770-A-G.
Other names: c.4499T>C, p.Val1500Ala (NM_014510.3); short protein forms V1500A.
Identifiers: ClinVar variation 1413401 (VCV001413401.5), dbSNP rs758673097, ClinGen allele CA4320816.

ClinVar aggregate classification (germline): Uncertain significance (1 of 4 stars; one submission).

Allele frequency attached by ClinVar (database versions not stated): gnomAD exomes below 0.00001 and 0.00001; ExAC 0.00001; gnomAD 0.00001; TOPMed 0.00002.
gnomAD v4.1: 6 of 1,613,658 alleles (0.00037%); highest among the groups gnomAD compares: Admixed American, 0.005%; no homozygotes.

Submission:

Labcorp Genetics (formerly Invitae), Labcorp
Classification: Uncertain significance. Last evaluated: 2021-08-24. Review status: criteria provided, single submitter. Criteria: Invitae Variant Classification Sherloc (09022015). Collection method: clinical testing. Allele origin: germline.
Comment: This sequence change replaces valine with alanine at codon 1500 of the PCLO protein (p.Val1500Ala). The valine residue is weakly conserved and there is a small physicochemical difference between valine and alanine. This variant is present in population databases (rs758673097, ExAC 0.01%). This variant has not been reported in the literature in individuals affected with PCLO-related conditions. Algorithms developed to predict the effect of missense changes on protein structure and function output the following: SIFT: "Tolerated"; PolyPhen-2: "Not Available"; Align-GVGD: "Class C0". The alanine amino acid residue is found in multiple mammalian species, which suggests that this missense change does not adversely affect protein function. In summary, the available evidence is currently insufficient to determine the role of this variant in disease. Therefore, it has been classified as a Variant of Uncertain Significance.